The following is an entry in ClinVar:

ClinVar aggregate classification (germline): Uncertain significance (1 of 4 stars; one submission).

gnomAD v4.1: 2 of 1,613,848 alleles (0.00012%); highest among the groups gnomAD compares: Admixed American, 0.0017%; no homozygotes.

Submission:

Athena Diagnostics
Classification: Uncertain significance. Last evaluated: 2025-06-10. Review status: criteria provided, single submitter. Criteria: Athena Diagnostics Criteria. Collection method: clinical testing. Allele origin: unknown.
Comment: Available data are insufficient to determine the clinical significance of the variant at this time. The frequency of this variant in the general population is uninformative in assessment of its pathogenicity. Polyphen and MutationTaster predict this amino acid change may be damaging to the protein.

NM_000083.3(CLCN1):c.800T>G (p.Leu267Arg)

Gene: CLCN1 (chloride voltage-gated channel 1; plus strand). Cytogenetic location: 7q34.
Variant type: single nucleotide variant.
Coding change: c.800T>G on transcript NM_000083.3 (MANE Select); coding-DNA position 800, T replaced by G.
Protein change: p.Leu267Arg; replaces leucine 267 with arginine.
Molecular consequence: missense variant. On other transcripts: non-coding transcript variant (1).
Genome position (GRCh38, 1-based): chr7:143,324,439, T>G. VCF-style: chr7-143324439-T-G. GRCh37 (hg19) VCF-style: chr7-143021532-T-G.
Other names: short protein forms L267R.
Identifiers: ClinVar variation 4682267 (VCV004682267.1).